The following is an entry in ClinVar:

NM_016038.4(SBDS):c.326G>C (p.Arg109Thr)

Gene: SBDS (SBDS ribosome maturation factor; minus strand). Cytogenetic location: 7q11.21.
Variant type: single nucleotide variant.
Coding change: c.326G>C on transcript NM_016038.4 (MANE Select); coding-DNA position 326, G replaced by C.
Protein change: p.Arg109Thr; replaces arginine 109 with threonine.
Molecular consequence: missense variant.
Genome position (GRCh38, 1-based): chr7:66,993,350, C>G on the plus strand (G>C on the coding strand, the complement: SBDS is on the minus strand). VCF-style: chr7-66993350-C-G. GRCh37 (hg19) VCF-style: chr7-66458337-C-G.
Other names: short protein forms R109T.
Identifiers: ClinVar variation 1327083 (VCV001327083.1), dbSNP rs2129232269, ClinGen allele CA367650252.

ClinVar aggregate classification (germline): Uncertain significance (1 of 4 stars; one submission).

Conditions:
Shwachman-Diamond syndrome 1 (SDS1). Also called: LIPOMATOSIS OF PANCREAS, CONGENITAL. Identifiers: MedGen C4692625, MONDO:0044204, OMIM 260400.

gnomAD v4.1: 3 of 1,614,052 alleles (0.00019%); highest among the groups gnomAD compares: South Asian, 0.0011%; no homozygotes.

Submission:

Baylor Genetics
Classification: Uncertain significance for Shwachman-Diamond syndrome 1. Last evaluated: 2021-04-08. Review status: criteria provided, single submitter. Criteria: ACMG Guidelines, 2015. Collection method: clinical testing. Allele origin: unknown. Affected: yes. Study: CSER-TexasKidsCanSeq.
Comment: This variant was determined to be of uncertain significance according to ACMG Guidelines, 2015 [PMID:25741868].